The following is an entry in ClinVar:

ClinVar aggregate classification (germline): Likely pathogenic (1 of 4 stars; one submission).

Conditions:
Autosomal recessive limb-girdle muscular dystrophy type 2J (LGMDR10). Also called: Limb-girdle muscular dystrophy, type 2J; MUSCULAR DYSTROPHY, LIMB-GIRDLE, AUTOSOMAL RECESSIVE 10. Identifiers: Orphanet 140922, MedGen C1837342, MONDO:0012127, OMIM 608807.
Dilated cardiomyopathy 1G (CMD1G). Identifiers: Orphanet 154, MedGen C1858763, MONDO:0011400, OMIM 604145.

Submission:

Labcorp Genetics (formerly Invitae), Labcorp
Classification: Likely pathogenic for Dilated cardiomyopathy 1G; Autosomal recessive limb-girdle muscular dystrophy type 2J. Last evaluated: 2024-10-18. Review status: criteria provided, single submitter. Criteria: Invitae Variant Classification Sherloc (09022015). Collection method: clinical testing. Allele origin: germline.
Comment: This sequence change creates a premature translational stop signal (p.Val11622Tyrfs*39) in the TTN gene. While this is not anticipated to result in nonsense mediated decay, it is expected to create a truncated TTN protein. This variant is not present in population databases (gnomAD no frequency). This variant has not been reported in the literature in individuals affected with TTN-related conditions. ClinVar contains an entry for this variant (Variation ID: 2098703). Algorithms developed to predict the effect of sequence changes on RNA splicing suggest that this variant may disrupt the consensus splice site. This variant is located in the I band of TTN (PMID: 25589632). Truncating variants in this region have been reported in individuals affected with autosomal recessive centronuclear myopathy (PMID: 23975875, internal data). Truncating variants in this region have also been identified in individuals affected with autosomal dominant dilated cardiomyopathy and/or cardio-related conditions (PMID: 27869827, 32964742, internal data). In summary, the currently available evidence indicates that the variant is pathogenic, but additional data are needed to prove that conclusively. Therefore, this variant has been classified as Likely Pathogenic.

Literature cited by the submitters: PubMed 25589632; PubMed 23975875; PubMed 27869827; PubMed 32964742.

NM_001267550.2(TTN):c.34863del (p.Val11622fs)

Gene: TTN (titin; minus strand). Cytogenetic location: 2q31.2.
Variant type: Deletion.
Coding change: c.34863del on transcript NM_001267550.2 (MANE Select); coding-DNA position 34863, one base deleted (A; older notation c.34863delA).
Protein change: p.Val11622fs; shifts the reading frame from valine 11622.
Molecular consequence: frameshift variant. On other transcripts: intron variant (3).
Genome position (GRCh38, 1-based): chr2:178,672,474, T deleted on the plus strand (A on the coding strand, the reverse complement: TTN is on the minus strand); the first of 2 consecutive T bases (chr2:178,672,474-178,672,475); deleting either gives the same sequence. VCF-style (leftmost placement, unchanged base first): chr2-178672473-CT-C. GRCh37 (hg19) VCF-style: chr2-179537200-CT-C.
Other names: c.33741del, p.Val11248fs (NM_001256850.1); c.30960del, p.Val10321fs (NM_133378.4); c.13283-30157del (NM_003319.4); c.13859-30157del (NM_133437.4); c.13658-30157del (NM_133432.3); short protein forms V10321fs, V11622fs, V11248fs.
Identifiers: ClinVar variation 2098703 (VCV002098703.4), dbSNP rs2473487440, ClinGen allele CA2580065039.
Genomic context (GRCh38, chr2:178,672,473, plus strand): 5'-CTGGGGGAACAGCTTCCTTTTTAGGCACAAGGACTTTCTTTTCTGGGACTTTCTTTGGTA[CT>C]TCAGGCACTTTAAAGATACAGTTTTAATATTTAGGACTGTCGAGAGCAAGCTTTCATAGA-3'